The following is an entry in ClinVar:

ClinVar aggregate classification (germline): Uncertain significance. Review status: criteria provided, multiple submitters, no conflicts (2 of 4 stars). 4 submissions from 4 submitters: Uncertain significance (4). Last evaluated 2025-07-31.

Conditions:
Hereditary cancer-predisposing syndrome. Also called: Neoplastic Syndromes, Hereditary; Tumor predisposition; Hereditary Cancer Syndrome; Hereditary neoplastic syndrome. Identifiers: Orphanet 140162, MedGen C0027672, MeSH D009386, MONDO:0015356.
Ataxia-telangiectasia syndrome (AT). Also called: LOUIS-BAR SYNDROME; Cerebello-oculocutaneous telangiectasia; Immunodeficiency with ataxia telangiectasia; Ataxia-telangiectasia, complementation group D; AT, COMPLEMENTATION GROUP C; ATAXIA-TELANGIECTASIA, COMPLEMENTATION GROUP A. Identifiers: Orphanet 100, MedGen C0004135, MONDO:0008840, OMIM 208900.
Familial cancer of breast. Also called: BREAST CANCER, FAMILIAL; Hereditary breast cancer; hereditary breast carcinoma. Identifiers: Orphanet 227535, MedGen C0346153, MONDO:0016419, OMIM 114480. Disease mechanism: loss of function.

Submissions (4):

Labcorp Genetics (formerly Invitae), Labcorp
Classification: Uncertain significance for Ataxia-telangiectasia syndrome. Last evaluated: 2025-07-31. Review status: criteria provided, single submitter. Criteria: Invitae Variant Classification Sherloc (09022015). Collection method: clinical testing. Allele origin: germline.
Comment: This sequence change replaces cysteine, which is neutral and slightly polar, with serine, which is neutral and polar, at codon 11 of the ATM protein (p.Cys11Ser). This variant is not present in population databases (gnomAD no frequency). This variant has not been reported in the literature in individuals affected with ATM-related conditions. ClinVar contains an entry for this variant (Variation ID: 1729959). Invitae Evidence Modeling of protein sequence and biophysical properties (such as structural, functional, and spatial information, amino acid conservation, physicochemical variation, residue mobility, and thermodynamic stability) has been performed for this missense variant. However, the output from this modeling did not meet the statistical confidence thresholds required to predict the impact of this variant on ATM protein function. In summary, the available evidence is currently insufficient to determine the role of this variant in disease. Therefore, it has been classified as a Variant of Uncertain Significance.

Fulgent Genetics
Classification: Uncertain significance for Familial cancer of breast; Ataxia-telangiectasia syndrome. Last evaluated: 2024-06-11. Review status: criteria provided, single submitter. Criteria: ACMG Guidelines, 2015. Collection method: clinical testing. Allele origin: germline.

GeneDx
Classification: Uncertain significance. Last evaluated: 2022-06-03. Review status: criteria provided, single submitter. Criteria: GeneDx Variant Classification Process June 2021. Collection method: clinical testing. Allele origin: germline. Affected: yes.
Comment: Not observed at significant frequency in large population cohorts (gnomAD); In silico analysis supports that this missense variant has a deleterious effect on protein structure/function; Has not been previously published as pathogenic or benign to our knowledge

Ambry Genetics
Classification: Uncertain significance for Hereditary cancer-predisposing syndrome. Last evaluated: 2022-02-22. Review status: criteria provided, single submitter. Criteria: Ambry Variant Classification Scheme 2023. Collection method: clinical testing. Allele origin: germline.
Comment: The p.C11S variant (also known as c.32G>C), located in coding exon 1 of the ATM gene, results from a G to C substitution at nucleotide position 32. The cysteine at codon 11 is replaced by serine, an amino acid with dissimilar properties. This amino acid position is highly conserved in available vertebrate species. In addition, the in silico prediction for this alteration is inconclusive. Since supporting evidence is limited at this time, the clinical significance of this alteration remains unclear.

NM_000051.4(ATM):c.32G>C (p.Cys11Ser)

Gene: ATM (ATM serine/threonine kinase; plus strand). Cytogenetic location: 11q22.3.
Variant type: single nucleotide variant.
Coding change: c.32G>C on transcript NM_000051.4 (MANE Select); coding-DNA position 32, G replaced by C.
Protein change: p.Cys11Ser; replaces cysteine 11 with serine.
Molecular consequence: missense variant.
Genome position (GRCh38, 1-based): chr11:108,227,656, G>C. VCF-style: chr11-108227656-G-C. GRCh37 (hg19) VCF-style: chr11-108098383-G-C.
Other names: c.32G>C, p.Cys11Ser (NM_001351834.2, NM_001351835.2, NM_001351836.2); short protein forms C11S.
Identifiers: ClinVar variation 1729959 (VCV001729959.8), dbSNP rs1364898025, ClinGen allele CA382519074.
Genomic context (GRCh38, chr11:108,227,656, plus strand): 5'-CAGTGATGTGTGTTCTGAAATTGTGAACCATGAGTCTAGTACTTAATGATCTGCTTATCT[G>C]CTGCCGTCAACTAGAACATGATAGAGCTACAGAACGAAAGGTAGTAAATTACTTAAATTC-3'
Protein context (NP_000042.3, residues 1-21): MSLVLNDLLI[Cys11Ser]CRQLEHDRAT